The following is an entry in ClinVar:

NM_201384.3(PLEC):c.3682C>T (p.Arg1228Trp)

Gene: PLEC (plectin; minus strand). Cytogenetic location: 8q24.3.
Variant type: single nucleotide variant.
Coding change: c.3682C>T on transcript NM_201384.3 (MANE Select); coding-DNA position 3682, C replaced by T.
Protein change: p.Arg1228Trp; replaces arginine 1228 with tryptophan.
Molecular consequence: missense variant.
Genome position (GRCh38, 1-based): chr8:143,927,484, G>A on the plus strand (C>T on the coding strand, the complement: PLEC is on the minus strand). VCF-style: chr8-143927484-G-A. GRCh37 (hg19) VCF-style: chr8-145001652-G-A.
Other names: p.Arg1214Trp; c.3763C>T, p.Arg1255Trp (NM_000445.5); c.3640C>T, p.Arg1214Trp (NM_201378.4); c.3616C>T, p.Arg1206Trp (NM_201379.3); c.4093C>T, p.Arg1365Trp (NM_201380.4); c.3586C>T, p.Arg1196Trp (NM_201381.3); c.3682C>T, p.Arg1228Trp (NM_201382.4); c.3694C>T, p.Arg1232Trp (NM_201383.3); and 1 more; short protein forms R1196W, R1206W, R1214W, R1228W, R1232W, R1255W, R1365W.
Identifiers: ClinVar variation 93045 (VCV000093045.48), dbSNP rs144610086, ClinGen allele CA146344.

ClinVar aggregate classification (germline): Benign/Likely benign. Review status: criteria provided, multiple submitters, no conflicts (2 of 4 stars). 11 submissions from 11 submitters: Benign (6); Likely benign (2). 3 of the submissions do not count toward it. Last evaluated 2026-07-01.

Conditions:
PLEC-related disorder. Also called: PLEC-related disorders; PLEC-related condition.
Epidermolysis bullosa simplex with nail dystrophy (EBS5D). Identifiers: MedGen C4225309, MONDO:0014661, OMIM 616487.
Epidermolysis bullosa simplex 5C, with pyloric atresia (EBS5C). Also called: PLEC-Related Epidermolysis Bullosa with Pyloric Atresia; Epidermolysis bullosa simplex with pyloric atresia; PLEC1-Related Epidermolysis Bullosa with Pyloric Atresia. Identifiers: Orphanet 158684, MedGen C2677349, MONDO:0012807, OMIM 612138.
Epidermolysis bullosa simplex 5B, with muscular dystrophy (EBS5B). Also called: EPIDERMOLYSIS BULLOSA SIMPLEX AND LIMB-GIRDLE MUSCULAR DYSTROPHY; Epidermolysis bullosa simplex with muscular dystrophy. Identifiers: Orphanet 257, MedGen C2931072, MONDO:0009181, OMIM 226670.
Autosomal recessive limb-girdle muscular dystrophy type 2Q (LGMDR17). Also called: MUSCULAR DYSTROPHY, LIMB-GIRDLE, AUTOSOMAL RECESSIVE 17. Identifiers: Orphanet 254361, MedGen C3150989, MONDO:0013390, OMIM 613723.
Epidermolysis bullosa simplex, Ogna type (EBS5A). Also called: Pidermolysis bullosa simplex 5A, Ogna type; EPIDERMOLYSIS BULLOSA SIMPLEX 5A, OGNA TYPE. Identifiers: Orphanet 79401, MedGen C0432317, MONDO:0007555, OMIM 131950.

Allele frequency attached by ClinVar (database versions not stated): ESP Exome Variant Server 0.00150; TOPMed 0.00161; 1000 Genomes Project 30x 0.00172; 1000 Genomes Project 0.00200; gnomAD 0.00384 and 0.00403.
gnomAD v4.1: 5,487 of 1,596,790 alleles (0.34%); highest among the groups gnomAD compares: Non-Finnish European, 0.33%; 25 homozygotes.

Submissions (11):

CeGaT Center for Human Genetics Tuebingen
Classification: Likely benign. Last evaluated: 2026-07-01. Review status: criteria provided, single submitter. Criteria: CeGaT Center For Human Genetics Tuebingen Variant Classification Criteria Version 2. Collection method: clinical testing. Allele origin: germline. Affected: yes. Observed: 8 variant alleles.
Comment: PLEC: BP4, BS2

Labcorp Genetics (formerly Invitae), Labcorp
Classification: Benign for Autosomal recessive limb-girdle muscular dystrophy type 2Q; Epidermolysis bullosa simplex, Ogna type; Epidermolysis bullosa simplex with nail dystrophy; Epidermolysis bullosa simplex 5C, with pyloric atresia; Epidermolysis bullosa simplex 5B, with muscular dystrophy. Last evaluated: 2026-01-27. Review status: criteria provided, single submitter. Criteria: Invitae Variant Classification Sherloc (09022015). Collection method: clinical testing. Allele origin: germline.

Blueprint Genetics
Classification: Likely benign. Last evaluated: 2024-11-27. Review status: criteria provided, single submitter. Criteria: ACMG Guidelines, 2015. Collection method: clinical testing. Allele origin: germline.

Athena Diagnostics
Classification: Benign. Last evaluated: 2023-12-19. Review status: criteria provided, single submitter. Criteria: Athena Diagnostics Criteria. Collection method: clinical testing. Allele origin: unknown.

Mayo Clinic Laboratories, Mayo Clinic
Classification: Benign. Last evaluated: 2020-09-08. Review status: criteria provided, single submitter. Criteria: ACMG Guidelines, 2015. Collection method: clinical testing. Allele origin: germline. Observed: 11 variant alleles.

GeneDx
Classification: Benign. Last evaluated: 2016-12-07. Review status: criteria provided, single submitter. Criteria: GeneDx Variant Classification (06012015). Collection method: clinical testing. Allele origin: germline. Affected: yes.
Comment: This variant is considered likely benign or benign based on one or more of the following criteria: it is a conservative change, it occurs at a poorly conserved position in the protein, it is predicted to be benign by multiple in silico algorithms, and/or has population frequency not consistent with disease.

Eurofins Ntd Llc (ga)
Classification: Benign. Last evaluated: 2014-11-20. Review status: criteria provided, single submitter. Criteria: EGL Classification Definitions 2015. Collection method: clinical testing. Allele origin: germline. Observed: 3 variant alleles, 3 heterozygotes.

Breakthrough Genomics
Classification: Benign. Review status: criteria provided, single submitter. Criteria: ACMG Guidelines, 2015. Collection method: not provided. Allele origin: germline. Inheritance: Autosomal recessive inheritance. Affected: yes.

PreventionGenetics, part of Exact Sciences
Classification: Benign for PLEC-related condition. Last evaluated: 2020-04-24. Review status: no assertion criteria provided. Collection method: clinical testing. Allele origin: germline. Not counted in ClinVar's aggregate classification.
Comment: This variant is classified as benign based on ACMG/AMP sequence variant interpretation guidelines (Richards et al. 2015 PMID: 25741868, with internal and published modifications).

Clinical Genetics DNA and cytogenetics Diagnostics Lab, Erasmus MC, Erasmus Medical Center
Classification: Likely benign. Review status: no assertion criteria provided. Collection method: clinical testing. Allele origin: germline. Affected: yes. Study: VKGL Data-share Consensus. Not counted in ClinVar's aggregate classification.

Laboratory of Diagnostic Genome Analysis, Leiden University Medical Center (LUMC)
Classification: Likely benign. Review status: no assertion criteria provided. Collection method: clinical testing. Allele origin: germline. Affected: yes. Study: VKGL Data-share Consensus. Not counted in ClinVar's aggregate classification.